The following is an entry in ClinVar:

ClinVar aggregate classification (germline): Uncertain significance. Review status: criteria provided, multiple submitters, no conflicts (2 of 4 stars). 2 submissions from 2 submitters: Uncertain significance (2). Last evaluated 2017-12-21.

Conditions:
Lethal congenital glycogen storage disease of heart. Also called: GLYCOGEN STORAGE DISEASE OF HEART; PHOSPHORYLASE KINASE DEFICIENCY OF HEART. Identifiers: Orphanet 439854, MedGen C1849813, MONDO:0009867, OMIM 261740.

Submissions (2):

Stanford Center for Inherited Cardiovascular Disease, Stanford University
Classification: Uncertain significance. Last evaluated: 2017-12-21. Review status: criteria provided, single submitter. Criteria: ACMG Guidelines, 2015. Collection method: provider interpretation. Allele origin: germline.

Labcorp Genetics (formerly Invitae), Labcorp
Classification: Uncertain significance for Lethal congenital glycogen storage disease of heart. Last evaluated: 2017-10-16. Review status: criteria provided, single submitter. Criteria: Invitae Variant Classification Sherloc (09022015). Collection method: clinical testing. Allele origin: germline.
Comment: This sequence change affects an acceptor splice site in intron 3 of the PRKAG2 gene. It is expected to disrupt RNA splicing and likely results in an absent or disrupted protein product. In summary, the available evidence is currently insufficient to determine the role of this variant in disease. Therefore, it has been classified as a Variant of Uncertain Significance. The current clinical and genetic evidence is not sufficient to establish whether loss-of-function variants in PRKAG2 cause disease. Algorithms developed to predict the effect of sequence changes on RNA splicing suggest that this variant may disrupt the consensus splice site, but this prediction has not been confirmed by published transcriptional studies. This variant has not been reported in the literature in individuals with PRKAG2-related disease. This variant is not present in population databases (ExAC no frequency).

NM_016203.4(PRKAG2):c.467-2A>T

Gene: PRKAG2 (protein kinase AMP-activated non-catalytic subunit gamma 2; minus strand). Cytogenetic location: 7q36.1.
Variant type: single nucleotide variant.
Coding change: c.467-2A>T on transcript NM_016203.4 (MANE Select); the canonical splice acceptor site of the intron before coding-DNA position 467, A replaced by T.
Molecular consequence: splice acceptor variant. On other transcripts: intron variant (5).
Genome position (GRCh38, 1-based): chr7:151,675,639, T>A on the plus strand (A>T on the coding strand, the complement: PRKAG2 is on the minus strand). VCF-style: chr7-151675639-T-A. GRCh37 (hg19) VCF-style: chr7-151372725-T-A.
Other names: c.467-80188A>T (NM_001407031.1); c.467-80185A>T (NM_001407030.1); c.467-2A>T (NM_001407023.1, NM_001407022.1, NM_001407021.1); c.149-2A>T (NM_001407032.1); c.335-2A>T (NM_001407026.1, NM_001040633.2, NM_001407027.1 and 1 more transcripts); c.361-43501A>T (NM_001407033.1); c.94+60261A>T (NM_001407037.1); c.13-43501A>T (NM_001407038.1); and 1 more.
Identifiers: ClinVar variation 533880 (VCV000533880.10), dbSNP rs1554531076, ClinGen allele CA370188830.
Genomic context (GRCh38, chr7:151,675,639, plus strand): 5'-AAACGTGTGCTGCTTGGTCACTTGGGTGGGTGTTGACGGAGAGGAGGAGAGGCCGGAGGC[T>A]GCAGAAGAAACACCAAGGACGGTCAGAGGTCCGGCTTCCAGGAAGGGACGTCGGGGGTGG-3'